The following is an entry in ClinVar:

ClinVar aggregate classification (germline): Uncertain significance (1 of 4 stars; one submission).

gnomAD v4.1: 1 of 1,614,156 alleles (0.000062%); highest among the groups gnomAD compares: Non-Finnish European, 0.000085%; no homozygotes.

Submission:

GeneDx
Classification: Uncertain significance. Last evaluated: 2025-07-07. Review status: criteria provided, single submitter. Criteria: GeneDx Variant Classification Process June 2021. Collection method: clinical testing. Allele origin: germline. Affected: yes.
Comment: Not observed at significant frequency in large population cohorts (gnomAD); In silico analysis suggests that this missense variant does not alter protein structure/function; Has not been previously published as pathogenic or benign to our knowledge

NM_006734.4(HIVEP2):c.6117C>A (p.Phe2039Leu)

Gene: HIVEP2 (HIVEP zinc finger 2; minus strand). Cytogenetic location: 6q24.2.
Variant type: single nucleotide variant.
Coding change: c.6117C>A on transcript NM_006734.4 (MANE Select); coding-DNA position 6117, C replaced by A.
Protein change: p.Phe2039Leu; replaces phenylalanine 2039 with leucine.
Molecular consequence: missense variant.
Genome position (GRCh38, 1-based): chr6:142,760,171, G>T on the plus strand (C>A on the coding strand, the complement: HIVEP2 is on the minus strand). VCF-style: chr6-142760171-G-T. GRCh37 (hg19) VCF-style: chr6-143081308-G-T.
Other names: c.6117C>A, p.Phe2039Leu (NM_001438449.1, NM_001438450.1, NM_001438451.1); short protein forms F2039L.
Identifiers: ClinVar variation 4685183 (VCV004685183.1).
Genomic context (GRCh38, chr6:142,760,171, plus strand): 5'-TGAATTATCTCGACAGGGTGAAGAATCATATCCTGGAGAGGAATGGTGGCTTGAGGGTGA[G>T]AAGTCCCTGGGAGAGGAGCTTGGCTCTGAAGGTAGCATGCACTCCTCATCCATACAACTA-3'
Protein context (NP_006725.3, residues 2029-2049): PSEPSSSPRD[Phe2039Leu]SPSSHHSSPG